The following is an entry in ClinVar:

ClinVar aggregate classification (germline): Uncertain significance. Review status: criteria provided, multiple submitters, no conflicts (2 of 4 stars). 3 submissions from 3 submitters: Uncertain significance (3). Last evaluated 2026-01-15.

Conditions:
OTOF-related disorder. Also called: OTOF-related condition.
Inborn genetic diseases. Identifiers: MedGen C0950123, MeSH D030342.

Allele frequency attached by ClinVar (database versions not stated): ExAC 0.00003.
gnomAD v4.1: 117 of 1,612,964 alleles (0.0073%); highest among the groups gnomAD compares: African/African-American, 0.011%; no homozygotes.

Submissions (3):

PreventionGenetics, part of Exact Sciences
Classification: Uncertain significance for OTOF-related condition. Last evaluated: 2026-01-15. Review status: criteria provided, single submitter. Criteria: ACMG Guidelines, 2015. Collection method: clinical testing. Allele origin: germline.
Comment: The OTOF c.1867G>A variant is predicted to result in the amino acid substitution p.Asp623Asn. To our knowledge, this variant has not been reported in the literature. This variant is reported in 0.017% of alleles in individuals of Latino descent in gnomAD. At this time, the clinical significance of this variant is uncertain due to the absence of conclusive functional and genetic evidence.

Ambry Genetics
Classification: Uncertain significance for Inborn genetic diseases. Last evaluated: 2023-02-01. Review status: criteria provided, single submitter. Criteria: Ambry Variant Classification Scheme 2023. Collection method: clinical testing. Allele origin: germline.

GeneDx
Classification: Uncertain significance. Last evaluated: 2021-09-29. Review status: criteria provided, single submitter. Criteria: GeneDx Variant Classification Process June 2021. Collection method: clinical testing. Allele origin: germline. Affected: yes.
Comment: In silico analysis supports that this missense variant has a deleterious effect on protein structure/function; Has not been previously published as pathogenic or benign to our knowledge

NM_194248.3(OTOF):c.1867G>A (p.Asp623Asn)

Gene: OTOF (otoferlin; minus strand). Cytogenetic location: 2p23.3.
Variant type: single nucleotide variant.
Coding change: c.1867G>A on transcript NM_194248.3 (MANE Select); coding-DNA position 1867, G replaced by A.
Protein change: p.Asp623Asn; replaces aspartic acid 623 with asparagine.
Molecular consequence: missense variant.
Genome position (GRCh38, 1-based): chr2:26,480,248, C>T on the plus strand (G>A on the coding strand, the complement: OTOF is on the minus strand). VCF-style: chr2-26480248-C-T. GRCh37 (hg19) VCF-style: chr2-26703116-C-T.
Other names: c.1867G>A (NM_194248.2); c.1867G>A, p.Asp623Asn (NM_001287489.2); short protein forms D623N.
Identifiers: ClinVar variation 1301291 (VCV001301291.5), dbSNP rs763063323, ClinGen allele CA1564157.
Genomic context (GRCh38, chr2:26,480,248, plus strand): 5'-GGGCCCAGCACTCACCTATGGTGACCTCAAAGGTGATGGGCTTGTCTCCGTTTCTCCGGT[C>T]GATCATTGAGGCCTCCAGGAAGGCTCCAAAGAGAAAGAATTCTTCCATTTTACCTGCACA-3'
Protein context (NP_919224.1, residues 613-633): FGAFLEASMI[Asp623Asn]RRNGDKPITF